The following is an entry in ClinVar:

ClinVar aggregate classification (germline): Uncertain significance (1 of 4 stars; one submission).

Allele frequency attached by ClinVar (database versions not stated): TOPMed below 0.00001; gnomAD 0.00001; gnomAD exomes 0.00001.
gnomAD v4.1: 7 of 1,554,152 alleles (0.00045%); highest among the groups gnomAD compares: East Asian, 0.0024%; no homozygotes.

Submission:

Labcorp Genetics (formerly Invitae), Labcorp
Classification: Uncertain significance. Last evaluated: 2021-03-26. Review status: criteria provided, single submitter. Criteria: Invitae Variant Classification Sherloc (09022015). Collection method: clinical testing. Allele origin: germline.
Comment: This sequence change replaces valine with isoleucine at codon 345 of the PROM1 protein (p.Val345Ile). The valine residue is moderately conserved and there is a small physicochemical difference between valine and isoleucine. In summary, the available evidence is currently insufficient to determine the role of this variant in disease. Therefore, it has been classified as a Variant of Uncertain Significance. Algorithms developed to predict the effect of missense changes on protein structure and function output the following: SIFT: "Tolerated"; PolyPhen-2: "Benign"; Align-GVGD: "Class C0". The isoleucine amino acid residue is found in multiple mammalian species, suggesting that this missense change does not adversely affect protein function. These predictions have not been confirmed by published functional studies and their clinical significance is uncertain. This variant has not been reported in the literature in individuals with PROM1-related conditions. This variant is not present in population databases (ExAC no frequency).

NM_006017.3(PROM1):c.1033G>A (p.Val345Ile)

Gene: PROM1 (prominin 1; minus strand). Cytogenetic location: 4p15.32.
Variant type: single nucleotide variant.
Coding change: c.1033G>A on transcript NM_006017.3 (MANE Select); coding-DNA position 1033, G replaced by A.
Protein change: p.Val345Ile; replaces valine 345 with isoleucine.
Molecular consequence: missense variant.
Genome position (GRCh38, 1-based): chr4:16,016,210, C>T on the plus strand (G>A on the coding strand, the complement: PROM1 is on the minus strand). VCF-style: chr4-16016210-C-T. GRCh37 (hg19) VCF-style: chr4-16017833-C-T.
Other names: c.1006G>A, p.Val336Ile (NM_001145847.2, NM_001145848.2, NM_001145851.2 and 4 more transcripts); c.1033G>A, p.Val345Ile (NM_001145849.2, NM_001145850.2); short protein forms V345I, V336I.
Identifiers: ClinVar variation 1432859 (VCV001432859.8), dbSNP rs911295313, ClinGen allele CA92561325.